The following is an entry in ClinVar:

ClinVar aggregate classification (germline): Likely benign (1 of 4 stars; one submission).

Allele frequency attached by ClinVar (database versions not stated): gnomAD exomes below 0.00001; TOPMed 0.00002; gnomAD 0.00004; ExAC 0.00005.
gnomAD v4.1: 9 of 1,551,754 alleles (0.00058%); highest among the groups gnomAD compares: Non-Finnish European, 0.00078%; no homozygotes.

Submission:

CeGaT Center for Human Genetics Tuebingen
Classification: Likely benign. Last evaluated: 2024-04-01. Review status: criteria provided, single submitter. Criteria: CeGaT Center For Human Genetics Tuebingen Variant Classification Criteria Version 2. Collection method: clinical testing. Allele origin: germline. Affected: yes. Observed: 1 variant allele.
Comment: GREB1L: BP4

NM_001142966.3(GREB1L):c.297C>T (p.Asn99=)

Genes: GREB1L (GREB1 like retinoic acid receptor coactivator; plus strand), GREB1L-AS1 (GREB1L antisense RNA 1; minus strand). Cytogenetic location: 18q11.1.
Variant type: single nucleotide variant.
Coding change: c.297C>T on transcript NM_001142966.3 (MANE Select); coding-DNA position 297, C replaced by T.
Protein change: p.Asn99=; no amino-acid change (asparagine 99 retained).
Molecular consequence: synonymous variant.
Genome position (GRCh38, 1-based): chr18:21,384,345, C>T. VCF-style: chr18-21384345-C-T. GRCh37 (hg19) VCF-style: chr18-18964306-C-T.
Other names: c.297C>T, p.Asn99= (NM_001410867.1, NM_001410868.1).
Identifiers: ClinVar variation 3234277 (VCV003234277.20), dbSNP rs772804626, ClinGen allele CA8906300.